The following is an entry in ClinVar:

NM_006231.4(POLE):c.5950C>T (p.Gln1984Ter)

Gene: POLE (DNA polymerase epsilon, catalytic subunit; minus strand). Cytogenetic location: 12q24.33.
Variant type: single nucleotide variant.
Coding change: c.5950C>T on transcript NM_006231.4 (MANE Select); coding-DNA position 5950, C replaced by T.
Protein change: p.Gln1984Ter; replaces glutamine 1984 with a stop codon.
Molecular consequence: nonsense.
Genome position (GRCh38, 1-based): chr12:132,634,240, G>A on the plus strand (C>T on the coding strand, the complement: POLE is on the minus strand). VCF-style: chr12-132634240-G-A. GRCh37 (hg19) VCF-style: chr12-133210826-G-A.
Other names: short protein forms Q1984*.
Identifiers: ClinVar variation 1023380 (VCV001023380.8), dbSNP rs1174471791, ClinGen allele CA387371521.

ClinVar aggregate classification (germline): Pathogenic (1 of 4 stars; one submission).

Allele frequency attached by ClinVar (database versions not stated): gnomAD exomes below 0.00001.
gnomAD v4.1: 2 of 1,614,142 alleles (0.00012%); highest among the groups gnomAD compares: East Asian, 0.0045%; no homozygotes.

Submission:

Labcorp Genetics (formerly Invitae), Labcorp
Classification: Pathogenic. Last evaluated: 2025-06-15. Review status: criteria provided, single submitter. Criteria: Invitae Variant Classification Sherloc (09022015). Collection method: clinical testing. Allele origin: germline.
Comment: This sequence change creates a premature translational stop signal (p.Gln1984*) in the POLE gene. It is expected to result in an absent or disrupted protein product. Loss-of-function variants in POLE are known to be pathogenic (PMID: 23230001, 25948378, 30503519). This variant is present in population databases (no rsID available, gnomAD 0.006%). This variant has not been reported in the literature in individuals affected with POLE-related conditions. ClinVar contains an entry for this variant (Variation ID: 1023380). For these reasons, this variant has been classified as Pathogenic.

Literature cited by the submitters: PubMed 23230001; PubMed 25948378; PubMed 30503519.